The following is an entry in ClinVar:

NM_020223.4(FAM20C):c.1648C>A (p.Leu550Ile)

Gene: FAM20C (FAM20C golgi associated secretory pathway kinase; plus strand). Cytogenetic location: 7p22.3.
Variant type: single nucleotide variant.
Coding change: c.1648C>A on transcript NM_020223.4 (MANE Select); coding-DNA position 1648, C replaced by A.
Protein change: p.Leu550Ile; replaces leucine 550 with isoleucine.
Molecular consequence: missense variant.
Genome position (GRCh38, 1-based): chr7:259,873, C>A. VCF-style: chr7-259873-C-A. GRCh37 (hg19) VCF-style: chr7-299839-C-A.
Other names: c.1648C>A (NM_020223.2); short protein forms L550I.
Identifiers: ClinVar variation 1926363 (VCV001926363.6), dbSNP rs2115183237, ClinGen allele CA366526383.

ClinVar aggregate classification (germline): Uncertain significance. Review status: criteria provided, multiple submitters, no conflicts (2 of 4 stars). 2 submissions from 2 submitters: Uncertain significance (2). Last evaluated 2025-04-18.

Conditions:
Inborn genetic diseases. Identifiers: MedGen C0950123, MeSH D030342.

Submissions (2):

Ambry Genetics
Classification: Uncertain significance for Inborn genetic diseases. Last evaluated: 2025-04-18. Review status: criteria provided, single submitter. Criteria: Ambry Variant Classification Scheme 2023. Collection method: clinical testing. Allele origin: germline.

Labcorp Genetics (formerly Invitae), Labcorp
Classification: Uncertain significance. Last evaluated: 2022-04-12. Review status: criteria provided, single submitter. Criteria: Invitae Variant Classification Sherloc (09022015). Collection method: clinical testing. Allele origin: germline.
Comment: In summary, the available evidence is currently insufficient to determine the role of this variant in disease. Therefore, it has been classified as a Variant of Uncertain Significance. Algorithms developed to predict the effect of missense changes on protein structure and function are either unavailable or do not agree on the potential impact of this missense change (SIFT: "Deleterious"; PolyPhen-2: "Probably Damaging"; Align-GVGD: "Class C0"). This variant has not been reported in the literature in individuals affected with FAM20C-related conditions. This variant is not present in population databases (gnomAD no frequency). This sequence change replaces leucine, which is neutral and non-polar, with isoleucine, which is neutral and non-polar, at codon 550 of the FAM20C protein (p.Leu550Ile).